The following is an entry in ClinVar:

NM_001372044.2(SHANK3):c.3952_3964del (p.Gln1318fs)

Gene: SHANK3 (SH3 and multiple ankyrin repeat domains 3; plus strand). Cytogenetic location: 22q13.33.
Variant type: Deletion.
Coding change: c.3952_3964del on transcript NM_001372044.2 (MANE Select); coding-DNA positions 3952 to 3964, 13 bases deleted (CAGTCAGCGGCTG).
Protein change: p.Gln1318fs; shifts the reading frame from glutamine 1318.
Molecular consequence: frameshift variant.
Genome position (GRCh38, 1-based): chr22:50,721,560-50,721,572, CAGTCAGCGGCTG deleted; deleting any 13 consecutive bases within chr22:50,721,558-50,721,572 gives the same sequence; the c. name uses the placement nearest the transcript's 3' end. VCF-style (leftmost placement, unchanged base first): chr22-50721557-ATGCAGTCAGCGGC-A. GRCh37 (hg19) VCF-style: chr22-51159985-ATGCAGTCAGCGGC-A.
Other names: c.3950_3962del (NM_001372044.2, NM_001372044.1); short protein forms Q1318fs.
Identifiers: ClinVar variation 1683569 (VCV001683569.4), dbSNP rs2146832070, ClinGen allele CA2573158315.

ClinVar aggregate classification (germline): Pathogenic. Review status: criteria provided, multiple submitters, no conflicts (2 of 4 stars). 3 submissions from 3 submitters: Pathogenic (3). Last evaluated 2023-09-01.

Conditions:
Schizophrenia 15 (SCZD15). Also called: SCHIZOPHRENIA SUSCEPTIBILITY LOCUS, CHROMOSOME 22q13-RELATED. Identifiers: MedGen C3151380, MONDO:0013498, OMIM 613950.
Phelan-McDermid syndrome. Also called: TELOMERIC 22q13 MONOSOMY SYNDROME; 22q13.3 deletion syndrome; Phelan-McDermid Syndrome-SHANK3 Related. Identifiers: Orphanet 48652, MedGen C1853490, MONDO:0011652, OMIM 606232.

Submissions (3):

Clinical Genomics Laboratory, Washington University in St. Louis
Classification: Pathogenic for Phelan-McDermid syndrome. Last evaluated: 2023-09-01. Review status: criteria provided, single submitter. Criteria: ACMG Guidelines, 2015. Collection method: clinical testing. Allele origin: germline. Affected: yes.
Comment: The SHANK3 c.3952_3964del (p.Arg1317fs) variant, also known as c.3764_3776del (p.Arg1255fs), has been reported as occurring de novo in at least two individuals affected with Phelan-McDermid syndrome (De Rubeis S et al., PMID: 29719671; Nevado J et al., PMID: 35495150). This variant has been reported in the ClinVar database as a germline pathogenic variant in Phelan-McDermid syndrome or intellectual disability by 9 submitters. This variant is absent from the general population (gnomAD v.2.1.1), indicating it is not a common variant. This variant causes a frameshift by deleting 13 nucleotides, leading to a premature termination codon; however, because this occurs in the penultimate exon more than 100 nucleotides from the exon junction, it is uncertain if this would lead to nonsense mediated decay. Other variants that introduce a premature termination codon in this region have been described in affected individuals and are considered pathogenic (De Rubeis S et al., PMID: 29719671; Leblond CS et al., PMID: 25188300). Based on available information and the ACMG/AMP guidelines for variant interpretation (Richards S et al., PMID: 25741868), this variant is classified as pathogenic.

Laboratorio de Genetica e Diagnostico Molecular, Hospital Israelita Albert Einstein
Classification: Pathogenic for Phelan-McDermid syndrome. Last evaluated: 2021-03-24. Review status: criteria provided, single submitter. Criteria: ACMG Guidelines, 2015. Collection method: clinical testing. Allele origin: germline. Affected: yes.
Comment: ACMG classification criteria: PVS1 very strong, PS4 supporting, PM2, PM6 supporting

Molecular Genetics Lab, CHRU Brest
Classification: Pathogenic for Schizophrenia 15; Phelan-McDermid syndrome. Review status: criteria provided, single submitter. Criteria: ACMG Guidelines, 2015. Collection method: clinical testing. Allele origin: de novo. Affected: yes.